The following is an entry in ClinVar:

NM_024747.6(HPS6):c.727C>A (p.Pro243Thr)

Gene: HPS6 (HPS6 biogenesis of lysosomal organelles complex 2 subunit 3; plus strand). Cytogenetic location: 10q24.32.
Variant type: single nucleotide variant.
Coding change: c.727C>A on transcript NM_024747.6 (MANE Select); coding-DNA position 727, C replaced by A.
Protein change: p.Pro243Thr; replaces proline 243 with threonine.
Molecular consequence: missense variant.
Genome position (GRCh38, 1-based): chr10:102,066,201, C>A. VCF-style: chr10-102066201-C-A. GRCh37 (hg19) VCF-style: chr10-103825958-C-A.
Other names: short protein forms P243T.
Identifiers: ClinVar variation 298555 (VCV000298555.8), dbSNP rs767667481, ClinGen allele CA5659844.

ClinVar aggregate classification (germline): Uncertain significance. Review status: criteria provided, multiple submitters, no conflicts (2 of 4 stars). 2 submissions from 2 submitters: Uncertain significance (2). Last evaluated 2021-08-11.

Conditions:
Hermansky-Pudlak syndrome 6 (HPS6). Identifiers: Orphanet 231512, Orphanet 79430, MedGen C3888007, MONDO:0013558, OMIM 614075.

Allele frequency attached by ClinVar (database versions not stated): gnomAD exomes 0.00002; TOPMed 0.00002; ExAC 0.00003; gnomAD 0.00010.
gnomAD v4.1: 31 of 1,613,770 alleles (0.0019%); highest among the groups gnomAD compares: Non-Finnish European, 0.0025%; no homozygotes.

Submissions (2):

Labcorp Genetics (formerly Invitae), Labcorp
Classification: Uncertain significance. Last evaluated: 2021-08-11. Review status: criteria provided, single submitter. Criteria: Invitae Variant Classification Sherloc (09022015). Collection method: clinical testing. Allele origin: germline.
Comment: This sequence change replaces proline with threonine at codon 243 of the HPS6 protein (p.Pro243Thr). The proline residue is moderately conserved and there is a small physicochemical difference between proline and threonine. This variant is present in population databases (rs767667481, ExAC 0.006%). This variant has not been reported in the literature in individuals affected with HPS6-related conditions. ClinVar contains an entry for this variant (Variation ID: 298555). Algorithms developed to predict the effect of missense changes on protein structure and function (SIFT, PolyPhen-2, Align-GVGD) all suggest that this variant is likely to be tolerated. In summary, the available evidence is currently insufficient to determine the role of this variant in disease. Therefore, it has been classified as a Variant of Uncertain Significance.

Illumina Laboratory Services, Illumina
Classification: Uncertain significance for Hermansky-Pudlak syndrome 6. Last evaluated: 2018-01-13. Review status: criteria provided, single submitter. Criteria: ICSL Variant Classification Criteria 13 December 2019. Collection method: clinical testing. Allele origin: germline.